The following is an entry in ClinVar:

NM_052947.4(ALPK2):c.6038C>T (p.Pro2013Leu)

Gene: ALPK2 (alpha kinase 2; minus strand). Cytogenetic location: 18q21.31.
Variant type: single nucleotide variant.
Coding change: c.6038C>T on transcript NM_052947.4 (MANE Select); coding-DNA position 6038, C replaced by T.
Protein change: p.Pro2013Leu; replaces proline 2013 with leucine.
Molecular consequence: missense variant.
Genome position (GRCh38, 1-based): chr18:58,504,140, G>A on the plus strand (C>T on the coding strand, the complement: ALPK2 is on the minus strand). VCF-style: chr18-58504140-G-A. GRCh37 (hg19) VCF-style: chr18-56171372-G-A.
Other names: short protein forms P2013L.
Identifiers: ClinVar variation 1751204 (VCV001751204.2), dbSNP rs780252761, ClinGen allele CA402544606.

ClinVar aggregate classification (germline): Uncertain significance (1 of 4 stars; one submission).

Allele frequency attached by ClinVar (database versions not stated): TOPMed below 0.00001; gnomAD exomes 0.00001.
gnomAD v4.1: 12 of 1,613,906 alleles (0.00074%); highest among the groups gnomAD compares: Non-Finnish European, 0.001%; no homozygotes.

Submission:

Ambry Genetics
Classification: Uncertain significance. Last evaluated: 2022-08-09. Review status: criteria provided, single submitter. Criteria: Ambry Variant Classification Scheme 2023. Collection method: clinical testing. Allele origin: germline.
Comment: The p.P2013L variant (also known as c.6038C>T), located in coding exon 10 of the ALPK2 gene, results from a C to T substitution at nucleotide position 6038. The proline at codon 2013 is replaced by leucine, an amino acid with similar properties. This amino acid position is conserved. In addition, this alteration is predicted to be tolerated by in silico analysis. Since supporting evidence is limited at this time, the clinical significance of this alteration remains unclear.